The following is an entry in ClinVar:

NM_022168.4(IFIH1):c.1449G>C (p.Gln483His)

Gene: IFIH1 (interferon induced with helicase C domain 1; minus strand). Cytogenetic location: 2q24.2.
Variant type: single nucleotide variant.
Coding change: c.1449G>C on transcript NM_022168.4 (MANE Select); coding-DNA position 1449, G replaced by C.
Protein change: p.Gln483His; replaces glutamine 483 with histidine.
Molecular consequence: missense variant.
Genome position (GRCh38, 1-based): chr2:162,281,403, C>G on the plus strand (G>C on the coding strand, the complement: IFIH1 is on the minus strand). VCF-style: chr2-162281403-C-G. GRCh37 (hg19) VCF-style: chr2-163137913-C-G.
Other names: short protein forms Q483H.
Identifiers: ClinVar variation 2148801 (VCV002148801.4), dbSNP rs753216541, ClinGen allele CA1934526.
Genomic context (GRCh38, chr2:162,281,403, plus strand): 5'-TTCAGCTTTGGCTTGCTTCGTGGCCCCTCCAACACCAGGTGAAGCTGTTAGTCCCAGTAT[C>G]TGAGGAAGGGGAATCACTGGTTTGTTTTCTTTCTTGAGTCTATTGTTTTTCAACTTCTGC-3'
Protein context (NP_071451.2, residues 473-493): KENKPVIPLP[Gln483His]ILGLTASPGV

ClinVar aggregate classification (germline): Uncertain significance (1 of 4 stars; one submission).

Conditions:
Singleton-Merten syndrome 1 (SGMRT1). Also called: Widened medullary cavities of bone, aortic calcification, abnormal dentition, and muscular weakness; Syndrome of widened medullary cavities of the metacarpals and phalanges, aortic calcification and abnormal dentition. Identifiers: Orphanet 85191, MedGen C4225427, MONDO:0024535, OMIM 182250.
Aicardi-Goutieres syndrome 7 (AGS7). Identifiers: Orphanet 51, MedGen C3888244, MONDO:0014367, OMIM 615846.

Allele frequency attached by ClinVar (database versions not stated): TOPMed below 0.00001; ExAC 0.00001; gnomAD 0.00001.
gnomAD v4.1: 44 of 1,612,726 alleles (0.0027%); highest among the groups gnomAD compares: Non-Finnish European, 0.0036%; no homozygotes.

Submission:

Labcorp Genetics (formerly Invitae), Labcorp
Classification: Uncertain significance for Aicardi-Goutieres syndrome 7; Singleton-Merten syndrome 1. Last evaluated: 2025-03-03. Review status: criteria provided, single submitter. Criteria: Invitae Variant Classification Sherloc (09022015). Collection method: clinical testing. Allele origin: germline.
Comment: This sequence change replaces glutamine, which is neutral and polar, with histidine, which is basic and polar, at codon 483 of the IFIH1 protein (p.Gln483His). This variant is present in population databases (rs753216541, gnomAD 0.002%). This variant has not been reported in the literature in individuals affected with IFIH1-related conditions. ClinVar contains an entry for this variant (Variation ID: 2148801). Invitae Evidence Modeling of protein sequence and biophysical properties (such as structural, functional, and spatial information, amino acid conservation, physicochemical variation, residue mobility, and thermodynamic stability) has been performed for this missense variant. However, the output from this modeling did not meet the statistical confidence thresholds required to predict the impact of this variant on IFIH1 protein function. In summary, the available evidence is currently insufficient to determine the role of this variant in disease. Therefore, it has been classified as a Variant of Uncertain Significance.